The following is an entry in ClinVar:

ClinVar aggregate classification (germline): Uncertain significance (1 of 4 stars; one submission).

Submission:

Labcorp Genetics (formerly Invitae), Labcorp
Classification: Uncertain significance. Last evaluated: 2025-10-14. Review status: criteria provided, single submitter. Criteria: Invitae Variant Classification Sherloc (09022015). Collection method: clinical testing. Allele origin: germline.
Comment: This sequence change replaces aspartic acid, which is acidic and polar, with histidine, which is basic and polar, at codon 132 of the HPS5 protein (p.Asp132His). This variant is not present in population databases (gnomAD no frequency). This variant has not been reported in the literature in individuals affected with HPS5-related conditions. An algorithm developed to predict the effect of missense changes on protein structure and function (PolyPhen-2) suggests that this variant is likely to be disruptive. In summary, the available evidence is currently insufficient to determine the role of this variant in disease. Therefore, it has been classified as a Variant of Uncertain Significance.

NM_181507.2(HPS5):c.394G>C (p.Asp132His)

Gene: HPS5 (HPS5 biogenesis of lysosomal organelles complex 2 subunit 2; minus strand). Cytogenetic location: 11p15.1.
Variant type: single nucleotide variant.
Coding change: c.394G>C on transcript NM_181507.2 (MANE Select); coding-DNA position 394, G replaced by C.
Protein change: p.Asp132His; replaces aspartic acid 132 with histidine.
Molecular consequence: missense variant.
Genome position (GRCh38, 1-based): chr11:18,310,824, C>G on the plus strand (G>C on the coding strand, the complement: HPS5 is on the minus strand). VCF-style: chr11-18310824-C-G. GRCh37 (hg19) VCF-style: chr11-18332371-C-G.
Other names: c.394G>C, p.Asp132His (NM_001440902.1, NM_001440903.1, NM_001440904.1 and 6 more transcripts); c.319G>C, p.Asp107His (NM_001440907.1, NM_001440908.1, NM_001440909.1); c.283G>C, p.Asp95His (NM_001440913.1, NM_001440914.1, NM_001440915.1); c.208G>C, p.Asp70His (NM_001440918.1); c.52G>C, p.Asp18His (NM_001440920.1, NM_001440921.1, NM_001440922.1 and 10 more transcripts); short protein forms D132H, D18H, D70H, D107H, D95H.
Identifiers: ClinVar variation 4728840 (VCV004728840.1).